The following is an entry in ClinVar:

ClinVar aggregate classification (germline): Pathogenic/Likely pathogenic. Review status: criteria provided, multiple submitters, no conflicts (2 of 4 stars). 2 submissions from 2 submitters: Pathogenic (1); Likely pathogenic (1). Last evaluated 2021-07-06.

Conditions:
Deafness-lymphedema-leukemia syndrome. Also called: Lymphedema, primary, with myelodysplasia; Emberger syndrome. Identifiers: Orphanet 3226, MedGen C3279664, MONDO:0013540, OMIM 614038.
GATA2 deficiency with susceptibility to MDS/AML. Identifiers: MedGen CN300066, MONDO:0042982.

Submissions (2):

Molecular Pathology Research Laboratory, SA Pathology
Classification: Pathogenic for GATA2 deficiency with susceptibility to MDS/AML; Deafness-lymphedema-leukemia syndrome. Last evaluated: 2021-07-06. Review status: criteria provided, single submitter. Criteria: ACMG Guidelines, 2015. Collection method: curation. Allele origin: unknown. Inheritance: Autosomal dominant inheritance. Affected: yes. Observed: 1 variant allele.
Comment: PVS1, PS4_Supporting, PM2

PreventionGenetics, part of Exact Sciences
Classification: Likely pathogenic. Last evaluated: 2016-05-16. Review status: criteria provided, single submitter. Criteria: ACMG Guidelines, 2015. Collection method: clinical testing. Allele origin: germline.

Literature cited by the submitters: PubMed 30697248 (cited by Molecular Pathology Research Laboratory, SA Pathology).

NM_032638.5(GATA2):c.1021del (p.Ala341fs)

Gene: GATA2 (GATA binding protein 2; minus strand). Cytogenetic location: 3q21.3.
Variant type: Deletion.
Coding change: c.1021del on transcript NM_032638.5 (MANE Select); coding-DNA position 1021, one base deleted (G; older notation c.1021delG).
Protein change: p.Ala341fs; shifts the reading frame from alanine 341.
Molecular consequence: frameshift variant. On other transcripts: intron variant (1).
Genome position (GRCh38, 1-based): chr3:128,481,941, C deleted on the plus strand (G on the coding strand, the reverse complement: GATA2 is on the minus strand); the first of 2 consecutive C bases (chr3:128,481,941-128,481,942); deleting either gives the same sequence. VCF-style (leftmost placement, unchanged base first): chr3-128481940-GC-G. GRCh37 (hg19) VCF-style: chr3-128200783-GC-G.
Other names: c.1021del, p.Ala341fs (NM_001145661.2); c.1018-39del (NM_001145662.1); short protein forms A341fs.
Identifiers: ClinVar variation 800673 (VCV000800673.3), dbSNP rs1576745308, ClinGen allele CA915941557.